The following is an entry in ClinVar:

NM_007118.4(TRIO):c.5497-1G>C

Gene: TRIO (trio Rho guanine nucleotide exchange factor; plus strand). Cytogenetic location: 5p15.2.
Variant type: single nucleotide variant.
Coding change: c.5497-1G>C on transcript NM_007118.4 (MANE Select); the canonical splice acceptor site of the intron before coding-DNA position 5497, G replaced by C.
Molecular consequence: splice acceptor variant.
Genome position (GRCh38, 1-based): chr5:14,462,754, G>C. VCF-style: chr5-14462754-G-C. GRCh37 (hg19) VCF-style: chr5-14462863-G-C.
Identifiers: ClinVar variation 3591863 (VCV003591863.2).
Genomic context (GRCh38, chr5:14,462,754, plus strand): 5'-CCTTGGTCCACGTCTGTGAACTGGCCTGGAATATAATGAGCAAATCTTGACTGGATTTCA[G>C]AGAGGCCGGAACGAGGGCCTGAGCAGCGGTACTCTCTCCAAATCCTCCTCCTCGGGGATG-3'

ClinVar aggregate classification (germline): Likely pathogenic. Review status: criteria provided, multiple submitters, no conflicts (2 of 4 stars). 2 submissions from 2 submitters: Likely pathogenic (2). Last evaluated 2026-01-21.

Conditions:
Intellectual developmental disorder, autosomal dominant 44, with microcephaly. Also called: Micrognathia-recurrent infections-behavioral abnormalities-mild intellectual disability syndrome; TRIO-Related Intellectual Disability. Identifiers: Orphanet 476126, MedGen C4310740, MONDO:0014892, OMIM 617061.
Intellectual developmental disorder, autosomal dominant 63, with macrocephaly. Also called: MENTAL RETARDATION, AUTOSOMAL DOMINANT 63, WITH MACROCEPHALY. Identifiers: MedGen C5394205, MONDO:0032939, OMIM 618825.

Submissions (2):

Victorian Clinical Genetics Services, Murdoch Childrens Research Institute
Classification: Likely pathogenic for Intellectual developmental disorder, autosomal dominant 44, with microcephaly. Last evaluated: 2026-01-21. Review status: criteria provided, single submitter. Criteria: ACMG Guidelines, 2015. Collection method: clinical testing. Allele origin: germline. Affected: yes.
Comment: This variant is classified as Likely pathogenic. Evidence in support of pathogenic classification: Canonical splice site variant without proven consequence on splicing (no functional evidence available); Variant is absent from gnomAD (v2, v3 and v4); This variant has limited previous evidence of pathogenicity in an unrelated individual(s). This variant has been classified as likely pathogenic by a clinical laboratory in ClinVar, and was observed in an individual with features including intellectual disability, dyskinesia and agenesis of the corpus callosum. The variant was maternally inherited, and also inherited by a sibling with fine motor and speech delays (personal communications); Abnormal splicing is predicted by in silico tool and affected nucleotide is highly conserved. Additional information: This variant is heterozygous; This gene is associated with autosomal dominant disease; No published functional evidence has been identified for this variant; No comparable splice variants have previous evidence for pathogenicity; Both loss- and gain-of-function are known mechanisms of disease for this gene. Loss-of-function variants and missense within the RhoGEF domain are associated with microcephaly while gain-of-function missense within the 7th spectrin repeat are associated with macrocephaly (PMID: 32109419) - Variants in this gene are known to have variable expressivity. Variable disease severity has been reported in individuals with loss of function variants in this gene (PMIDs: 26721934, 28796471, 33167890); Parental origin of the variant is unresolved.

Fulgent Genetics
Classification: Likely pathogenic for Intellectual developmental disorder, autosomal dominant 44, with microcephaly; Intellectual developmental disorder, autosomal dominant 63, with macrocephaly. Last evaluated: 2024-05-17. Review status: criteria provided, single submitter. Criteria: ACMG Guidelines, 2015. Collection method: clinical testing. Allele origin: germline.

Literature cited by the submitters: PubMed 33167890 (cited by Victorian Clinical Genetics Services, Murdoch Childrens Research Institute); PubMed 28796471 (cited by Victorian Clinical Genetics Services, Murdoch Childrens Research Institute); PubMed 32109419 (cited by Victorian Clinical Genetics Services, Murdoch Childrens Research Institute); PubMed 26721934 (cited by Victorian Clinical Genetics Services, Murdoch Childrens Research Institute).